The following is an entry in ClinVar:

ClinVar aggregate classification (germline): Pathogenic (1 of 4 stars; one submission).

Submission:

GeneDx
Classification: Pathogenic. Last evaluated: 2025-12-08. Review status: criteria provided, single submitter. Criteria: GeneDx Variant Classification Process June 2021. Collection method: clinical testing. Allele origin: germline.
Comment: Not observed at significant frequency in large population cohorts (gnomAD); In silico analysis supports that this missense variant has a deleterious effect on protein structure/function; Has not been previously published as pathogenic or benign to our knowledge

NM_015015.3(KDM4B):c.398A>G (p.Tyr133Cys)

Gene: KDM4B (lysine demethylase 4B; plus strand). Cytogenetic location: 19p13.3.
Variant type: single nucleotide variant.
Coding change: c.398A>G on transcript NM_015015.3 (MANE Select); coding-DNA position 398, A replaced by G.
Protein change: p.Tyr133Cys; replaces tyrosine 133 with cysteine.
Molecular consequence: missense variant.
Genome position (GRCh38, 1-based): chr19:5,041,217, A>G. VCF-style: chr19-5041217-A-G. GRCh37 (hg19) VCF-style: chr19-5041228-A-G.
Other names: c.398A>G, p.Tyr133Cys (NM_001370093.1, NM_001370094.1, NM_001411148.1); short protein forms Y133C.
Identifiers: ClinVar variation 3603009 (VCV003603009.2).